The following is an entry in ClinVar:

ClinVar aggregate classification (germline): Uncertain significance (1 of 4 stars; one submission).

Conditions:
Mucopolysaccharidosis, MPS-III-B (MPS3B). Also called: N-ACETYL-ALPHA-D-GLUCOSAMINIDASE DEFICIENCY; NAGLU DEFICIENCY; SANFILIPPO SYNDROME B; MPS III B; MPS IIIB (Sanfilippo Syndrome Type B); MUCOPOLYSACCHARIDOSIS, TYPE IIIB. Identifiers: Orphanet 79270, MedGen C0086648, MONDO:0009656, OMIM 252920.
Charcot-Marie-Tooth disease axonal type 2V. Also called: CHARCOT-MARIE-TOOTH NEUROPATHY, TYPE 2V; CHARCOT-MARIE-TOOTH DISEASE, AXONAL, AUTOSOMAL DOMINANT, TYPE 2V. Identifiers: Orphanet 447964, MedGen C5569050, MONDO:0014665, OMIM 616491.

Submission:

Labcorp Genetics (formerly Invitae), Labcorp
Classification: Uncertain significance for Charcot-Marie-Tooth disease axonal type 2V; Mucopolysaccharidosis, MPS-III-B. Last evaluated: 2021-06-18. Review status: criteria provided, single submitter. Criteria: Invitae Variant Classification Sherloc (09022015). Collection method: clinical testing. Allele origin: germline.
Comment: This variant, c.689_694del, results in the deletion of 2 amino acid(s) of the NAGLU protein (p.Leu230_Asp231del), but otherwise preserves the integrity of the reading frame. This variant is not present in population databases (ExAC no frequency). This variant has not been reported in the literature in individuals affected with NAGLU-related conditions. Experimental studies and prediction algorithms are not available or were not evaluated, and the functional significance of this variant is currently unknown. In summary, the available evidence is currently insufficient to determine the role of this variant in disease. Therefore, it has been classified as a Variant of Uncertain Significance.

NM_000263.4(NAGLU):c.689_694del (p.Leu230_Asp231del)

Gene: NAGLU (N-acetyl-alpha-glucosaminidase; plus strand). Cytogenetic location: 17q21.2.
Variant type: Deletion.
Coding change: c.689_694del on transcript NM_000263.4 (MANE Select); coding-DNA positions 689 to 694, 6 bases deleted (TGGACC; older notation c.689_694delTGGACC).
Protein change: p.Leu230_Asp231del.
Molecular consequence: inframe deletion.
Genome position (GRCh38, 1-based): chr17:42,538,680-42,538,685, TGGACC deleted; deleting any 6 consecutive bases within chr17:42,538,678-42,538,685 gives the same sequence; the c. name uses the placement nearest the transcript's 3' end. VCF-style (leftmost placement, unchanged base first): chr17-42538677-TCCTGGA-T. GRCh37 (hg19) VCF-style: chr17-40690695-TCCTGGA-T.
Identifiers: ClinVar variation 1434223 (VCV001434223.8), dbSNP rs2143087937, ClinGen allele CA2573153967.
Genomic context (GRCh38, chr17:42,538,677, plus strand): 5'-TTCTCATAGGACAGCAGTGGCCATGCTCACCACCCTTCCTTCTGTTCCTCCAGCACCGGG[TCCTGGA>T]CCAGATGCGCTCCTTCGGCATGACCCCAGTGCTGCCTGCATTCGCGGGGCATGTTCCCGA-3'